The following is an entry in ClinVar:

NM_000018.4(ACADVL):c.477+50A>T

Gene: ACADVL (acyl-CoA dehydrogenase very long chain; plus strand). Cytogenetic location: 17p13.1.
Variant type: single nucleotide variant.
Coding change: c.477+50A>T on transcript NM_000018.4 (MANE Select); 50 bases into the intron after coding-DNA position 477, A replaced by T.
Molecular consequence: intron variant.
Genome position (GRCh38, 1-based): chr17:7,221,108, A>T. VCF-style: chr17-7221108-A-T. GRCh37 (hg19) VCF-style: chr17-7124427-A-T.
Other names: c.546+50A>T (NM_001270447.2); c.249+50A>T (NM_001270448.2); c.411+50A>T (NM_001033859.3).
Identifiers: ClinVar variation 932885 (VCV000932885.4), dbSNP rs150033153, ClinGen allele CA8337714.

ClinVar aggregate classification (germline): Conflicting classifications of pathogenicity. Review status: criteria provided, conflicting classifications (1 of 4 stars). 2 submissions from 2 submitters: Uncertain significance (1); Likely benign (1). Last evaluated 2019-11-01.

Conditions:
Very long chain acyl-CoA dehydrogenase deficiency (ACADVLD). Also called: Very Long-Chain Acyl-Coenzyme A Dehydrogenase Deficiency; VLCAD Deficiency. Identifiers: Orphanet 26793, MedGen C3887523, MONDO:0008723, OMIM 201475.

Allele frequency attached by ClinVar (database versions not stated): ESP Exome Variant Server 0.00461; 1000 Genomes Project 0.00519; TOPMed 0.00533; 1000 Genomes Project 30x 0.00562.
gnomAD v4.1: 1,652 of 1,611,336 alleles (0.1%); highest among the groups gnomAD compares: African/African-American, 1.7%; 19 homozygotes.

Submissions (2):

Wong Mito Lab, Molecular and Human Genetics, Baylor College of Medicine
Classification: Uncertain significance for Very long chain acyl-CoA dehydrogenase deficiency. Last evaluated: 2019-11-01. Review status: criteria provided, single submitter. Criteria: ACMG Guidelines, 2015. Collection method: clinical testing. Allele origin: germline.
Comment: The NM_000018.3:c.477+50A>T (NP_000009.1:p.?) [GRCH38: NC_000017.11:g.7221108A>T] variant in ACADVL gene is interpretated to be Uncertain Significance based on ACMG guidelines (PMID: 25741868). This variant has been reported. This variant dose not meet any evidence codes reported in the ACMG guidelines.

GeneDx
Classification: Likely benign. Last evaluated: 2018-08-14. Review status: criteria provided, single submitter. Criteria: GeneDx Variant Classification Process June 2021. Collection method: clinical testing. Allele origin: germline. Affected: yes.